The following is an entry in ClinVar:

ClinVar aggregate classification (germline): Benign/Likely benign. Review status: criteria provided, multiple submitters, no conflicts (2 of 4 stars). 5 submissions from 5 submitters: Benign (1); Likely benign (3). 1 of the submissions does not count toward it. Last evaluated 2025-02-16.

Conditions:
Hypoparathyroidism, deafness, renal disease syndrome (HDRS). Also called: HYPOPARATHYROIDISM, SENSORINEURAL DEAFNESS, AND RENAL DYSPLASIA SYNDROME. Identifiers: Orphanet 2237, MedGen C1840333, MONDO:0007797, OMIM 146255.

Allele frequency attached by ClinVar (database versions not stated): gnomAD 0.00003 and 0.00011; TOPMed 0.00007; gnomAD exomes 0.00015 and 0.00025; 1000 Genomes Project 30x 0.00016; ExAC 0.00016; 1000 Genomes Project 0.00020.
gnomAD v4.1: 380 of 1,614,024 alleles (0.024%); highest among the groups gnomAD compares: East Asian, 0.8%; 1 homozygote.

Submissions (5):

Laboratory of Genetics, Children's Clinical University Hospital Latvia
Classification: Likely benign. Last evaluated: 2025-02-16. Review status: criteria provided, single submitter. Criteria: ACMG Guidelines, 2015. Collection method: clinical testing. Allele origin: germline. Affected: yes.

Labcorp Genetics (formerly Invitae), Labcorp
Classification: Likely benign. Last evaluated: 2025-02-06. Review status: criteria provided, single submitter. Criteria: Invitae Variant Classification Sherloc (09022015). Collection method: clinical testing. Allele origin: germline.

GeneDx
Classification: Likely benign. Last evaluated: 2019-09-24. Review status: criteria provided, single submitter. Criteria: GeneDx Variant Classification Process June 2021. Collection method: clinical testing. Allele origin: germline. Affected: yes.
Comment: See Variant Classification Assertion Criteria.

Illumina Laboratory Services, Illumina
Classification: Benign for Hypoparathyroidism, deafness, renal disease syndrome. Last evaluated: 2018-01-13. Review status: criteria provided, single submitter. Criteria: ICSL Variant Classification Criteria 13 December 2019. Collection method: clinical testing. Allele origin: germline.
Comment: This variant was observed in the ICSL laboratory as part of a predisposition screen in an ostensibly healthy population. It had not been previously curated by ICSL or reported in the Human Gene Mutation Database (HGMD: prior to June 1st, 2018), and was therefore a candidate for classification through an automated scoring system. Utilizing variant allele frequency, disease prevalence and penetrance estimates, and inheritance mode, an automated score was calculated to assess if this variant is too frequent to cause the disease. Based on the score and internal cut-off values, a variant classified as benign is not then subjected to further curation. The score for this variant resulted in a classification of benign for this disease.

ITMI
No classification provided. Condition: AllHighlyPenetrant. Last evaluated: 2013-09-19. Review status: no classification provided. Collection method: reference population. Allele origin: germline. Not counted in ClinVar's aggregate classification.
Comment: Please see associated publication for description of ethnicities

Literature cited by the submitters: PubMed 24728327 (cited by ITMI).

NM_001002295.2(GATA3):c.1186G>A (p.Ala396Thr)

Gene: GATA3 (GATA binding protein 3; plus strand). Cytogenetic location: 10p14.
Variant type: single nucleotide variant.
Coding change: c.1186G>A on transcript NM_001002295.2 (MANE Select); coding-DNA position 1186, G replaced by A.
Protein change: p.Ala396Thr; replaces alanine 396 with threonine.
Molecular consequence: missense variant.
Genome position (GRCh38, 1-based): chr10:8,073,874, G>A. VCF-style: chr10-8073874-G-A. GRCh37 (hg19) VCF-style: chr10-8115837-G-A.
Other names: c.1183G>A, p.Ala395Thr (NM_002051.3); short protein forms A396T, A395T.
Identifiers: ClinVar variation 134471 (VCV000134471.11), dbSNP rs200935603, ClinGen allele CA159918.